The following is an entry in ClinVar:

NC_000005.10:g.112707368G>A

Gene: APC (APC regulator of Wnt signaling pathway; plus strand). Cytogenetic location: 5q22.2.
Variant type: single nucleotide variant.
Genome position: GRCh38 VCF-style: chr5-112707368-G-A. GRCh37 (hg19) VCF-style: chr5-112043065-G-A.
Identifiers: ClinVar variation 537581 (VCV000537581.10), dbSNP rs1320184514, ClinGen allele CA658796588.

ClinVar aggregate classification (germline): Uncertain significance (1 of 4 stars; one submission).

Conditions:
Familial adenomatous polyposis 1 (FAP1). Also called: FAMILIAL ADENOMATOUS POLYPOSIS 1, ATTENUATED; POLYPOSIS, ADENOMATOUS INTESTINAL. Identifiers: MedGen C2713442, MONDO:0021056, OMIM 175100. Disease mechanism: loss of function.

Allele frequency attached by ClinVar (database versions not stated): gnomAD exomes 0.00010; TOPMed 0.00001.

Submission:

Labcorp Genetics (formerly Invitae), Labcorp
Classification: Uncertain significance for Familial adenomatous polyposis 1. Last evaluated: 2026-01-20. Review status: criteria provided, single submitter. Criteria: Invitae Variant Classification Sherloc (09022015). Collection method: clinical testing. Allele origin: germline.
Comment: This variant occurs in a non-coding region of the APC gene. It does not change the encoded amino acid sequence of the APC protein. This variant is not present in population databases (gnomAD no frequency). This variant has not been reported in the literature in individuals affected with APC-related conditions. ClinVar contains an entry for this variant (Variation ID: 537581). Experimental studies and prediction algorithms are not available or were not evaluated, and the functional significance of this variant is currently unknown. In summary, the available evidence is currently insufficient to determine the role of this variant in disease. Therefore, it has been classified as a Variant of Uncertain Significance.